The following is an entry in ClinVar:

NM_014915.3(ANKRD26):c.1747C>G (p.Gln583Glu)

Gene: ANKRD26 (ankyrin repeat domain 26; minus strand). Cytogenetic location: 10p12.1.
Variant type: single nucleotide variant.
Coding change: c.1747C>G on transcript NM_014915.3 (MANE Select); coding-DNA position 1747, C replaced by G.
Protein change: p.Gln583Glu; replaces glutamine 583 with glutamic acid.
Molecular consequence: missense variant.
Genome position (GRCh38, 1-based): chr10:27,048,868, G>C on the plus strand (C>G on the coding strand, the complement: ANKRD26 is on the minus strand). VCF-style: chr10-27048868-G-C. GRCh37 (hg19) VCF-style: chr10-27337797-G-C.
Other names: p.Gln583Glu; c.1747C>G, p.Gln583Glu (NM_001256053.2); short protein forms Q583E.
Identifiers: ClinVar variation 878314 (VCV000878314.17), dbSNP rs56151272, ClinGen allele CA5448421.

ClinVar aggregate classification (germline): Conflicting classifications of pathogenicity. Review status: criteria provided, conflicting classifications (1 of 4 stars). 8 submissions from 8 submitters: Uncertain significance (1); Benign (4); Likely benign (3). Last evaluated 2026-01-21.

Conditions:
Inborn genetic diseases. Identifiers: MedGen C0950123, MeSH D030342.
Thrombocytopenia 2 (THC2). Also called: ANKRD26-Related Thrombocytopenia. Identifiers: Orphanet 268322, MedGen C1861185, MONDO:0008555, OMIM 188000.

Allele frequency attached by ClinVar (database versions not stated): gnomAD exomes 0.00026; ExAC 0.00087; gnomAD 0.00248 and 0.00260; ESP Exome Variant Server 0.00257; TOPMed 0.00284; 1000 Genomes Project 0.00399; 1000 Genomes Project 30x 0.00453.
gnomAD v4.1: 791 of 1,612,586 alleles (0.049%); highest among the groups gnomAD compares: African/African-American, 0.85%; 5 homozygotes.

Submissions (8):

Labcorp Genetics (formerly Invitae), Labcorp
Classification: Benign. Last evaluated: 2026-01-21. Review status: criteria provided, single submitter. Criteria: Invitae Variant Classification Sherloc (09022015). Collection method: clinical testing. Allele origin: germline.

Ambry Genetics
Classification: Uncertain significance for Inborn genetic diseases. Last evaluated: 2024-10-02. Review status: criteria provided, single submitter. Criteria: Ambry Variant Classification Scheme 2023. Collection method: clinical testing. Allele origin: germline.
Comment: The p.Q583E variant (also known as c.1747C>G), located in coding exon 17 of the ANKRD26 gene, results from a C to G substitution at nucleotide position 1747. The glutamine at codon 583 is replaced by glutamic acid, an amino acid with highly similar properties. This amino acid position is conserved. In addition, this alteration is predicted to be tolerated by in silico analysis. Based on the available evidence, the clinical significance of this variant remains unclear.

Blueprint Genetics
Classification: Likely benign. Last evaluated: 2024-09-13. Review status: criteria provided, single submitter. Criteria: ACMG Guidelines, 2015. Collection method: clinical testing. Allele origin: germline.

Mayo Clinic Laboratories, Mayo Clinic
Classification: Likely benign. Last evaluated: 2024-06-15. Review status: criteria provided, single submitter. Criteria: ACMG Guidelines, 2015. Collection method: clinical testing. Allele origin: germline. Observed: 5 variant alleles.
Comment: BS1, BP4, PM1_supporting

Genome-Nilou Lab
Classification: Benign for Thrombocytopenia 2. Last evaluated: 2021-12-05. Review status: criteria provided, single submitter. Criteria: ACMG Guidelines, 2015. Collection method: clinical testing. Allele origin: germline. Affected: no.

GeneDx
Classification: Likely benign. Last evaluated: 2021-08-25. Review status: criteria provided, single submitter. Criteria: GeneDx Variant Classification Process June 2021. Collection method: clinical testing. Allele origin: germline. Affected: yes.
Comment: In silico analysis, which includes protein predictors and evolutionary conservation, supports that this variant does not alter protein structure/function; Has not been previously published as pathogenic or benign to our knowledge

Illumina Laboratory Services, Illumina
Classification: Benign for Thrombocytopenia 2. Last evaluated: 2018-01-13. Review status: criteria provided, single submitter. Criteria: ICSL Variant Classification Criteria 13 December 2019. Collection method: clinical testing. Allele origin: germline.
Comment: This variant was observed in the ICSL laboratory as part of a predisposition screen in an ostensibly healthy population. It had not been previously curated by ICSL or reported in the Human Gene Mutation Database (HGMD: prior to June 1st, 2018), and was therefore a candidate for classification through an automated scoring system. Utilizing variant allele frequency, disease prevalence and penetrance estimates, and inheritance mode, an automated score was calculated to assess if this variant is too frequent to cause the disease. Based on the score and internal cut-off values, a variant classified as benign is not then subjected to further curation. The score for this variant resulted in a classification of benign for this disease.

Genetic Services Laboratory, University of Chicago
Classification: Benign. Last evaluated: 2017-11-07. Review status: criteria provided, single submitter. Criteria: ACMG Guidelines, 2015. Collection method: clinical testing. Allele origin: germline. Affected: no.